The following is an entry in ClinVar:

ClinVar aggregate classification (germline): Uncertain significance. Review status: criteria provided, multiple submitters, no conflicts (2 of 4 stars). 2 submissions from 2 submitters: Uncertain significance (2). Last evaluated 2025-10-29.

Conditions:
CEP290-related disorder. Also called: CEP290-related condition; CEP290-related disorders. Identifiers: MedGen CN239314.

gnomAD v4.1: 1 of 1,156,408 alleles (0.000086%); highest among the groups gnomAD compares: Non-Finnish European, 0.00012%; no homozygotes.

Submissions (2):

PreventionGenetics, part of Exact Sciences
Classification: Uncertain significance for CEP290-related condition. Last evaluated: 2025-10-29. Review status: criteria provided, single submitter. Criteria: ACMG Guidelines, 2015. Collection method: clinical testing. Allele origin: germline.
Comment: The CEP290 c.257A>T variant is predicted to result in the amino acid substitution p.Gln86Leu. To our knowledge, this variant has not been reported in the literature or in a large population database, indicating this variant is rare. At this time, the clinical significance of this variant is uncertain due to the absence of conclusive functional and genetic evidence.

Blueprint Genetics
Classification: Uncertain significance. Last evaluated: 2022-10-14. Review status: criteria provided, single submitter. Criteria: ACMG Guidelines, 2015. Collection method: clinical testing. Allele origin: germline.

NM_025114.4(CEP290):c.257A>T (p.Gln86Leu)

Gene: CEP290 (centrosomal protein 290; minus strand). Cytogenetic location: 12q21.32.
Variant type: single nucleotide variant.
Coding change: c.257A>T on transcript NM_025114.4 (MANE Select); coding-DNA position 257, A replaced by T.
Protein change: p.Gln86Leu; replaces glutamine 86 with leucine.
Molecular consequence: missense variant.
Genome position (GRCh38, 1-based): chr12:88,139,185, T>A on the plus strand (A>T on the coding strand, the complement: CEP290 is on the minus strand). VCF-style: chr12-88139185-T-A. GRCh37 (hg19) VCF-style: chr12-88532962-T-A.
Other names: c.257A>T (NM_025114.3); short protein forms Q86L.
Identifiers: ClinVar variation 4917971 (VCV004917971.2).